The following is an entry in ClinVar:

NM_001080414.4(CCDC88C):c.3690G>C (p.Leu1230Phe)

Gene: CCDC88C (coiled-coil domain containing 88C; minus strand). Cytogenetic location: 14q32.11.
Variant type: single nucleotide variant.
Coding change: c.3690G>C on transcript NM_001080414.4 (MANE Select); coding-DNA position 3690, G replaced by C.
Protein change: p.Leu1230Phe; replaces leucine 1230 with phenylalanine.
Molecular consequence: missense variant. On other transcripts: non-coding transcript variant (2).
Genome position (GRCh38, 1-based): chr14:91,300,016, C>G on the plus strand (G>C on the coding strand, the complement: CCDC88C is on the minus strand). VCF-style: chr14-91300016-C-G. GRCh37 (hg19) VCF-style: chr14-91766360-C-G.
Other names: p.Leu1230Phe; short protein forms L1230F.
Identifiers: ClinVar variation 3380232 (VCV003380232.1).

ClinVar aggregate classification (germline): Uncertain significance (1 of 4 stars; one submission).

gnomAD v4.1: 1 of 1,604,266 alleles (0.000062%); highest among the groups gnomAD compares: South Asian, 0.0011%; no homozygotes.

Submission:

Mayo Clinic Laboratories, Mayo Clinic
Classification: Uncertain significance. Last evaluated: 2024-06-05. Review status: criteria provided, single submitter. Criteria: ACMG Guidelines, 2015. Collection method: clinical testing. Allele origin: germline. Observed: 1 variant allele.
Comment: BP4